The following is an entry in ClinVar:

NM_014639.4(SKIC3):c.522del (p.Asn175fs)

Gene: SKIC3 (SKI3 subunit of superkiller complex; minus strand). Cytogenetic location: 5q15.
Variant type: Deletion.
Coding change: c.522del on transcript NM_014639.4 (MANE Select); coding-DNA position 522, one base deleted (G; older notation c.522delG).
Protein change: p.Asn175fs; shifts the reading frame from asparagine 175.
Molecular consequence: frameshift variant.
Genome position (GRCh38, 1-based): chr5:95,540,711, C deleted on the plus strand (G on the coding strand, the reverse complement: SKIC3 is on the minus strand). VCF-style (leftmost placement, unchanged base first): chr5-95540710-TC-T. GRCh37 (hg19) VCF-style: chr5-94876414-TC-T.
Other names: short protein forms N175fs.
Identifiers: ClinVar variation 2720115 (VCV002720115.3), dbSNP rs2530802371, ClinGen allele CA2697546358.

ClinVar aggregate classification (germline): Pathogenic (1 of 4 stars; one submission).

Submission:

Labcorp Genetics (formerly Invitae), Labcorp
Classification: Pathogenic. Last evaluated: 2023-06-20. Review status: criteria provided, single submitter. Criteria: Invitae Variant Classification Sherloc (09022015). Collection method: clinical testing. Allele origin: germline.
Comment: For these reasons, this variant has been classified as Pathogenic. This variant has not been reported in the literature in individuals affected with TTC37-related conditions. This variant is not present in population databases (gnomAD no frequency). This sequence change creates a premature translational stop signal (p.Asn175Ilefs*48) in the TTC37 gene. It is expected to result in an absent or disrupted protein product. Loss-of-function variants in TTC37 are known to be pathogenic (PMID: 20176027, 21120949).

Literature cited by the submitters: PubMed 20176027; PubMed 21120949.